The following is an entry in ClinVar:

NM_001080517.3(SETD5):c.568A>T (p.Asn190Tyr)

Gene: SETD5 (SET domain containing 5; plus strand). Cytogenetic location: 3p25.3.
Variant type: single nucleotide variant.
Coding change: c.568A>T on transcript NM_001080517.3 (MANE Select); coding-DNA position 568, A replaced by T.
Protein change: p.Asn190Tyr; replaces asparagine 190 with tyrosine.
Molecular consequence: missense variant.
Genome position (GRCh38, 1-based): chr3:9,440,456, A>T. VCF-style: chr3-9440456-A-T. GRCh37 (hg19) VCF-style: chr3-9482140-A-T.
Other names: c.274A>T, p.Asn92Tyr (NM_001292043.2, NM_001349451.2); short protein forms N92Y, N190Y.
Identifiers: ClinVar variation 3002760 (VCV003002760.3), dbSNP rs1475899278, ClinGen allele CA351686851.

ClinVar aggregate classification (germline): Uncertain significance (1 of 4 stars; one submission).

Submission:

Labcorp Genetics (formerly Invitae), Labcorp
Classification: Uncertain significance. Last evaluated: 2022-12-19. Review status: criteria provided, single submitter. Criteria: Invitae Variant Classification Sherloc (09022015). Collection method: clinical testing. Allele origin: germline.
Comment: In summary, the available evidence is currently insufficient to determine the role of this variant in disease. Therefore, it has been classified as a Variant of Uncertain Significance. Algorithms developed to predict the effect of missense changes on protein structure and function are either unavailable or do not agree on the potential impact of this missense change (SIFT: "Deleterious"; PolyPhen-2: "Possibly Damaging"; Align-GVGD: "Class C0"). This variant has not been reported in the literature in individuals affected with SETD5-related conditions. This variant is not present in population databases (gnomAD no frequency). This sequence change replaces asparagine, which is neutral and polar, with tyrosine, which is neutral and polar, at codon 190 of the SETD5 protein (p.Asn190Tyr).